The following is an entry in ClinVar:

NM_024652.6(LRRK1):c.3016A>G (p.Met1006Val)

Genes: LRRK1 (leucine rich repeat kinase 1; plus strand), LRRK1-AS1 (LRRK1 antisense RNA 1; minus strand). Cytogenetic location: 15q26.3.
Variant type: single nucleotide variant.
Coding change: c.3016A>G on transcript NM_024652.6 (MANE Select); coding-DNA position 3016, A replaced by G.
Protein change: p.Met1006Val; replaces methionine 1006 with valine.
Molecular consequence: missense variant.
Genome position (GRCh38, 1-based): chr15:101,046,033, A>G. VCF-style: chr15-101046033-A-G. GRCh37 (hg19) VCF-style: chr15-101586238-A-G.
Other names: c.3016A>G (NM_024652.3); short protein forms M1006V.
Identifiers: ClinVar variation 1354289 (VCV001354289.5), dbSNP rs368618286, ClinGen allele CA7761416.

ClinVar aggregate classification (germline): Uncertain significance. Review status: criteria provided, multiple submitters, no conflicts (2 of 4 stars). 2 submissions from 2 submitters: Uncertain significance (2). Last evaluated 2024-08-19.

Conditions:
Inborn genetic diseases. Identifiers: MedGen C0950123, MeSH D030342.

Allele frequency attached by ClinVar (database versions not stated): gnomAD 0.00012 and 0.00013; gnomAD exomes 0.00012 and 0.00023; ExAC 0.00013; ESP Exome Variant Server 0.00016; TOPMed 0.00018.

Submissions (2):

Ambry Genetics
Classification: Uncertain significance for Inborn genetic diseases. Last evaluated: 2024-08-19. Review status: criteria provided, single submitter. Criteria: Ambry Variant Classification Scheme 2023. Collection method: clinical testing. Allele origin: germline.

Labcorp Genetics (formerly Invitae), Labcorp
Classification: Uncertain significance. Last evaluated: 2022-10-24. Review status: criteria provided, single submitter. Criteria: Invitae Variant Classification Sherloc (09022015). Collection method: clinical testing. Allele origin: germline.
Comment: This sequence change replaces methionine, which is neutral and non-polar, with valine, which is neutral and non-polar, at codon 1006 of the LRRK1 protein (p.Met1006Val). This variant is present in population databases (rs368618286, gnomAD 0.02%). This variant has not been reported in the literature in individuals affected with LRRK1-related conditions. ClinVar contains an entry for this variant (Variation ID: 1354289). Algorithms developed to predict the effect of missense changes on protein structure and function (SIFT, PolyPhen-2, Align-GVGD) all suggest that this variant is likely to be tolerated. In summary, the available evidence is currently insufficient to determine the role of this variant in disease. Therefore, it has been classified as a Variant of Uncertain Significance.